The following is an entry in ClinVar:

NM_033028.5(BBS4):c.884G>A (p.Arg295Gln)

Gene: BBS4 (Bardet-Biedl syndrome 4; plus strand). Cytogenetic location: 15q24.1.
Variant type: single nucleotide variant.
Coding change: c.884G>A on transcript NM_033028.5 (MANE Select); coding-DNA position 884, G replaced by A.
Protein change: p.Arg295Gln; replaces arginine 295 with glutamine.
Molecular consequence: missense variant. On other transcripts: non-coding transcript variant (2).
Genome position (GRCh38, 1-based): chr15:72,731,574, G>A. VCF-style: chr15-72731574-G-A. GRCh37 (hg19) VCF-style: chr15-73023915-G-A.
Other names: c.368G>A, p.Arg123Gln (NM_001252678.2); c.815G>A, p.Arg272Gln (NM_001320665.2); short protein forms R123Q, R272Q, R295Q.
Identifiers: ClinVar variation 1440902 (VCV001440902.6), dbSNP rs121434632, ClinGen allele CA393078762.

ClinVar aggregate classification (germline): Uncertain significance. Review status: criteria provided, multiple submitters, no conflicts (2 of 4 stars). 2 submissions from 2 submitters: Uncertain significance (2). Last evaluated 2022-09-27.

Conditions:
Bardet-Biedl syndrome (BBS). Identifiers: Orphanet 110, MedGen C0752166, MONDO:0015229.

Allele frequency attached by ClinVar (database versions not stated): gnomAD 0.00001; TOPMed 0.00001.
gnomAD v4.1: 36 of 1,613,982 alleles (0.0022%); highest among the groups gnomAD compares: Non-Finnish European, 0.0031%; no homozygotes.

Submissions (2):

Labcorp Genetics (formerly Invitae), Labcorp
Classification: Uncertain significance for Bardet-Biedl syndrome. Last evaluated: 2022-09-27. Review status: criteria provided, single submitter. Criteria: Invitae Variant Classification Sherloc (09022015). Collection method: clinical testing. Allele origin: germline.
Comment: This sequence change replaces arginine, which is basic and polar, with glutamine, which is neutral and polar, at codon 295 of the BBS4 protein (p.Arg295Gln). This variant is present in population databases (no rsID available, gnomAD 0.002%). This variant has not been reported in the literature in individuals affected with BBS4-related conditions. ClinVar contains an entry for this variant (Variation ID: 1440902). Advanced modeling of protein sequence and biophysical properties (such as structural, functional, and spatial information, amino acid conservation, physicochemical variation, residue mobility, and thermodynamic stability) performed at Invitae indicates that this missense variant is expected to disrupt BBS4 protein function. In summary, the available evidence is currently insufficient to determine the role of this variant in disease. Therefore, it has been classified as a Variant of Uncertain Significance.

Blueprint Genetics
Classification: Uncertain significance. Last evaluated: 2018-10-24. Review status: criteria provided, single submitter. Criteria: ACMG Guidelines, 2015. Collection method: clinical testing. Allele origin: germline.